The following is an entry in ClinVar:

NM_000057.4(BLM):c.451A>C (p.Ile151Leu)

Gene: BLM (BLM RecQ like helicase; plus strand). Cytogenetic location: 15q26.1.
Variant type: single nucleotide variant.
Coding change: c.451A>C on transcript NM_000057.4 (MANE Select); coding-DNA position 451, A replaced by C.
Protein change: p.Ile151Leu; replaces isoleucine 151 with leucine.
Molecular consequence: missense variant. On other transcripts: 5 prime UTR variant (1).
Genome position (GRCh38, 1-based): chr15:90,749,719, A>C. VCF-style: chr15-90749719-A-C. GRCh37 (hg19) VCF-style: chr15-91292949-A-C.
Other names: c.451A>C, p.Ile151Leu (NM_001287246.2, NM_001287247.2); c.-841A>C (NM_001287248.2); c.451A>C (NM_000057.3); short protein forms I151L.
Identifiers: ClinVar variation 1741183 (VCV001741183.3), dbSNP rs780472557, ClinGen allele CA393840777.

ClinVar aggregate classification (germline): Uncertain significance. Review status: criteria provided, single submitter (1 of 4 stars). 2 submissions from 2 submitters: Uncertain significance (1). 1 of the submissions does not count toward it. Last evaluated 2020-09-10.

Conditions:
Hereditary cancer-predisposing syndrome. Also called: Hereditary Cancer Syndrome; Hereditary neoplastic syndrome; Neoplastic Syndromes, Hereditary; Tumor predisposition. Identifiers: Orphanet 140162, MedGen C0027672, MeSH D009386, MONDO:0015356.
Bloom syndrome (BLM). Also called: Bloom-Torre-Machacek syndrome. Identifiers: Orphanet 125, MedGen C0005859, MONDO:0008876, OMIM 210900.

Submissions (2):

Ambry Genetics
Classification: Uncertain significance for Hereditary cancer-predisposing syndrome. Last evaluated: 2020-09-10. Review status: criteria provided, single submitter. Criteria: Ambry Variant Classification Scheme 2023. Collection method: clinical testing. Allele origin: germline.
Comment: The p.I151L variant (also known as c.451A>C), located in coding exon 2 of the BLM gene, results from an A to C substitution at nucleotide position 451. The isoleucine at codon 151 is replaced by leucine, an amino acid with highly similar properties. This amino acid position is not well conserved in available vertebrate species. In addition, this alteration is predicted to be tolerated by in silico analysis. Since supporting evidence is limited at this time, the clinical significance of this alteration remains unclear.

Natera, Inc.
Classification: Uncertain significance for Bloom syndrome. Last evaluated: 2025-05-08. Review status: no assertion criteria provided. Collection method: clinical testing. Allele origin: germline. Not counted in ClinVar's aggregate classification.